The following is an entry in ClinVar:

NM_001365999.1(SZT2):c.7897G>A (p.Glu2633Lys)

Gene: SZT2 (SZT2 subunit of KICSTOR complex; plus strand). Cytogenetic location: 1p34.2.
Variant type: single nucleotide variant.
Coding change: c.7897G>A on transcript NM_001365999.1 (MANE Select); coding-DNA position 7897, G replaced by A.
Protein change: p.Glu2633Lys; replaces glutamic acid 2633 with lysine.
Molecular consequence: missense variant.
Genome position (GRCh38, 1-based): chr1:43,442,291, G>A. VCF-style: chr1-43442291-G-A. GRCh37 (hg19) VCF-style: chr1-43907962-G-A.
Other names: c.7726G>A, p.Glu2576Lys (NM_015284.4); short protein forms E2576K, E2633K.
Identifiers: ClinVar variation 4531480 (VCV004531480.1).
Genomic context (GRCh38, chr1:43,442,291, plus strand): 5'-TCCCAGGCCCCTATTGTGCCCCTCCCCCACCCTGTAGCTGCCAAAGCCATGCAGCGCTTC[G>A]AGCCAGGAGGTGATGGGAGCTCAGGGCGAAATGCTCCCCGGCAGAGGCTCTTGCTACTAG-3'
Protein context (NP_001352928.1, residues 2623-2643): QQAAKAMQRF[Glu2633Lys]PGGDGSSGRN

ClinVar aggregate classification (germline): Uncertain significance (1 of 4 stars; one submission).

Conditions:
Developmental and epileptic encephalopathy, 18 (DEE18). Also called: Early infantile epileptic encephalopathy 18. Identifiers: Orphanet 369894, MedGen C3809624, MONDO:0014201, OMIM 615476.

gnomAD v4.1: 2 of 1,613,824 alleles (0.00012%); highest among the groups gnomAD compares: Admixed American, 0.0017%; no homozygotes.

Submission:

Victorian Clinical Genetics Services, Murdoch Childrens Research Institute
Classification: Uncertain significance for Developmental and epileptic encephalopathy, 18. Last evaluated: 2025-10-22. Review status: criteria provided, single submitter. Criteria: ACMG Guidelines, 2015. Collection method: clinical testing. Allele origin: germline. Affected: yes.
Comment: This variant is classified as VUS-3C. Evidence in support of pathogenic classification: Variant is present in gnomAD <0.01 for a recessive condition (v4: 2 heterozygote(s), 0 homozygote(s)) . Evidence in support of benign classification: Missense variant predicted to be tolerated by in silico tool(s) or not conserved in placental mammals with a minor amino acid change. Additional information: Variant is predicted to result in a missense amino acid change from Glu to Lys; This variant is heterozygous; This gene is associated with autosomal recessive disease; Alternative amino acid change(s) at the same position are present in gnomAD (Highest allele count: v4: 1 heterozygote(s), 0 homozygote(s)) ; This variant has no previous evidence of pathogenicity; No published evidence of segregation with disease has been identified for this variant; No published functional evidence has been identified for this variant; No comparable missense variants have previous evidence for pathogenicity; Variant is not located in an established domain, motif, hotspot or informative constraint region; Loss of function is a known mechanism of disease in this gene and is associated with developmental and epileptic encephalopathy 18 (MIM#615476).